The following is an entry in ClinVar:

NM_004176.5(SREBF1):c.754C>T (p.Leu252=)

Gene: SREBF1 (sterol regulatory element binding transcription factor 1; minus strand). Cytogenetic location: 17p11.2.
Variant type: single nucleotide variant.
Coding change: c.754C>T on transcript NM_004176.5 (MANE Select); coding-DNA position 754, C replaced by T.
Protein change: p.Leu252=; no amino-acid change (leucine 252 retained).
Molecular consequence: synonymous variant. On other transcripts: non-coding transcript variant (4).
Genome position (GRCh38, 1-based): chr17:17,819,412, G>A on the plus strand (C>T on the coding strand, the complement: SREBF1 is on the minus strand). VCF-style: chr17-17819412-G-A. GRCh37 (hg19) VCF-style: chr17-17722726-G-A.
Other names: c.844C>T, p.Leu282= (NM_001005291.3); c.682C>T, p.Leu228= (NM_001321096.3); c.754C>T, p.Leu252= (NM_001388385.1, NM_001388386.1, NM_001388387.1 and 5 more transcripts); c.748C>T, p.Leu250= (NM_001388389.1); c.322C>T, p.Leu108= (NM_001388394.1).
Identifiers: ClinVar variation 5008113 (VCV005008113.1).

ClinVar aggregate classification (germline): Uncertain significance (1 of 4 stars; one submission).

gnomAD v4.1: 239 of 1,613,850 alleles (0.015%); highest among the groups gnomAD compares: Non-Finnish European, 0.019%; no homozygotes.

Submission:

GeneDx
Classification: Uncertain significance. Last evaluated: 2026-03-02. Review status: criteria provided, single submitter. Criteria: GeneDx Variant Classification Process June 2021. Collection method: clinical testing. Allele origin: germline.
Comment: In silico analysis suggests that this variant does not alter splicing; Has not been previously published as pathogenic or benign to our knowledge